The following is an entry in ClinVar:

NM_001394062.1(MACF1):c.7259T>C (p.Val2420Ala)

Gene: MACF1 (microtubule actin crosslinking factor 1; plus strand). Cytogenetic location: 1p34.3.
Variant type: single nucleotide variant.
Coding change: c.7259T>C on transcript NM_001394062.1 (MANE Select); coding-DNA position 7259, T replaced by C.
Protein change: p.Val2420Ala; replaces valine 2420 with alanine.
Molecular consequence: missense variant. On other transcripts: intron variant (1).
Genome position (GRCh38, 1-based): chr1:39,333,847, T>C. VCF-style: chr1-39333847-T-C. GRCh37 (hg19) VCF-style: chr1-39799519-T-C.
Other names: c.4629+6494T>C (NM_012090.5); short protein forms V2420A.
Identifiers: ClinVar variation 4821853 (VCV004821853.4).
Genomic context (GRCh38, chr1:39,333,847, plus strand): 5'-GAATTTTAGAGAGGCAGGTGGTGACTGGTGGAATTATTGATCTGAAACGAGGCAAAAAAG[T>C]TTCAGTAACTTTGGCCTCAACTCTTGGCTTGGTGGACGTTGCTGACCAGCCAGAACTTAT-3'
Protein context (NP_001380991.1, residues 2410-2430): GIIDLKRGKK[Val2420Ala]SVTLASTLGL

ClinVar aggregate classification (germline): Likely benign (1 of 4 stars; one submission).

gnomAD v4.1: 133 of 1,613,960 alleles (0.0082%); highest among the groups gnomAD compares: Non-Finnish European, 0.011%; no homozygotes.

Submission:

CeGaT Center for Human Genetics Tuebingen
Classification: Likely benign. Last evaluated: 2026-03-01. Review status: criteria provided, single submitter. Criteria: CeGaT Center For Human Genetics Tuebingen Variant Classification Criteria Version 2. Collection method: clinical testing. Allele origin: germline. Affected: yes. Observed: 1 variant allele.
Comment: MACF1: BP4